The following is an entry in ClinVar:

NM_001034853.2(RPGR):c.1169_1170del (p.Phe390fs)

Gene: RPGR (retinitis pigmentosa GTPase regulator; minus strand). Cytogenetic location: Xp11.4.
Variant type: Deletion.
Coding change: c.1169_1170del on transcript NM_001034853.2 (MANE Select); coding-DNA positions 1169 to 1170, 2 bases deleted (TT; older notation c.1169_1170delTT).
Protein change: p.Phe390fs; shifts the reading frame from phenylalanine 390.
Molecular consequence: frameshift variant. On other transcripts: non-coding transcript variant (6), intron variant (2).
Genome position (GRCh38, 1-based): chrX:38,299,031-38,299,032, AA deleted on the plus strand (TT on the coding strand, the reverse complement: RPGR is on the minus strand); deleting any 2 consecutive bases within chrX:38,299,031-38,299,034 gives the same sequence; the c. name uses the placement nearest the transcript's 3' end. VCF-style (leftmost placement, unchanged base first): chrX-38299030-GAA-G. GRCh37 (hg19) VCF-style: chrX-38158283-GAA-G.
Other names: c.1169_1170del, p.Phe390fs (NM_000328.3, NM_001367247.1); c.1166_1167del, p.Phe389fs (NM_001367245.1, NM_001367249.1, NM_001367250.1); c.1199_1200del, p.Phe400fs (NM_001367248.1); c.1060-1580_1060-1579del (NM_001367251.1, NM_001367246.1); short protein forms F390fs, F389fs, F400fs.
Identifiers: ClinVar variation 2844138 (VCV002844138.3), dbSNP rs2067449854, ClinGen allele CA2739273399.

ClinVar aggregate classification (germline): Pathogenic (1 of 4 stars; one submission).

Conditions:
Primary ciliary dyskinesia. Also called: Ciliary dyskinesia. Identifiers: Orphanet 244, MedGen C0008780, MONDO:0016575, HP:0012265.

Submission:

Labcorp Genetics (formerly Invitae), Labcorp
Classification: Pathogenic for Primary ciliary dyskinesia. Last evaluated: 2023-03-08. Review status: criteria provided, single submitter. Criteria: Invitae Variant Classification Sherloc (09022015). Collection method: clinical testing. Allele origin: germline.
Comment: For these reasons, this variant has been classified as Pathogenic. This variant has not been reported in the literature in individuals affected with RPGR-related conditions. This variant is not present in population databases (gnomAD no frequency). This sequence change creates a premature translational stop signal (p.Phe390Serfs*4) in the RPGR gene. It is expected to result in an absent or disrupted protein product. Loss-of-function variants in RPGR are known to be pathogenic (PMID: 16055928, 16969763).

Literature cited by the submitters: PubMed 16055928; PubMed 16969763.